The following is an entry in ClinVar:

NM_002185.5(IL7R):c.753dup (p.Ser252fs)

Gene: IL7R (interleukin 7 receptor; plus strand). Cytogenetic location: 5p13.2.
Variant type: Duplication.
Coding change: c.753dup on transcript NM_002185.5 (MANE Select); coding-DNA position 753, one base duplicated (C; older notation c.753dupC).
Protein change: p.Ser252fs; shifts the reading frame from serine 252.
Molecular consequence: frameshift variant.
Genome position (GRCh38, 1-based): chr5:35,874,495, C duplicated. VCF-style (leftmost placement, unchanged base first): chr5-35874494-T-TC. GRCh37 (hg19) VCF-style: chr5-35874596-T-TC.
Other names: short protein forms S252fs.
Identifiers: ClinVar variation 464438 (VCV000464438.7), dbSNP rs1554067182, ClinGen allele CA658657433.

ClinVar aggregate classification (germline): Pathogenic (1 of 4 stars; one submission).

Conditions:
Immunodeficiency 104. Also called: IMMUNODEFICIENCY 104, SEVERE COMBINED; Severe combined immunodeficiency, autosomal recessive, T cell-negative, B cell-positive, NK cell-positive; SCID, AUTOSOMAL RECESSIVE, T CELL-NEGATIVE, B CELL-POSITIVE, NK CELL-POSITIVE; Severe Combined Immune Deficiency, Autosomal Recessive, TCell -Negative, B Cell-Positive, NK Cell-Positive, IL7R-Related. Identifiers: MedGen C5676890, MONDO:0012163, OMIM 608971.

Submission:

Labcorp Genetics (formerly Invitae), Labcorp
Classification: Pathogenic for Immunodeficiency 104. Last evaluated: 2017-07-22. Review status: criteria provided, single submitter. Criteria: Invitae Variant Classification Sherloc (09022015). Collection method: clinical testing. Allele origin: germline.
Comment: For these reasons, this variant has been classified as Pathogenic. Loss-of-function variants in IL7R are known to be pathogenic (PMID: 21664875, 26123418). This variant has not been reported in the literature in individuals with IL7R-related disease. This variant is not present in population databases (ExAC no frequency). This sequence change creates a premature translational stop signal (p.Ser252Leufs*18) in the IL7R gene. It is expected to result in an absent or disrupted protein product.

Literature cited by the submitters: PubMed 21664875; PubMed 26123418.